The following is an entry in ClinVar:

ClinVar aggregate classification (germline): Conflicting classifications of pathogenicity. Review status: criteria provided, conflicting classifications (1 of 4 stars). 2 submissions from 2 submitters: Uncertain significance (1); Likely benign (1). Last evaluated 2023-05-03.

Conditions:
Inborn genetic diseases. Identifiers: MedGen C0950123, MeSH D030342.

Allele frequency attached by ClinVar (database versions not stated): gnomAD exomes 0.00003; ExAC 0.00005; gnomAD 0.00006; TOPMed 0.00006.

Submissions (2):

Ambry Genetics
Classification: Likely benign for Inborn genetic diseases. Last evaluated: 2023-05-03. Review status: criteria provided, single submitter. Criteria: Ambry Variant Classification Scheme 2023. Collection method: clinical testing. Allele origin: germline.

GeneDx
Classification: Uncertain significance. Last evaluated: 2023-04-14. Review status: criteria provided, single submitter. Criteria: GeneDx Variant Classification Process June 2021. Collection method: clinical testing. Allele origin: germline. Affected: yes.
Comment: Has not been previously published as pathogenic or benign to our knowledge; In silico analysis supports that this missense variant has a deleterious effect on protein structure/function

NM_018896.5(CACNA1G):c.6445C>T (p.Arg2149Trp)

Gene: CACNA1G (calcium voltage-gated channel subunit alpha1 G; plus strand). Cytogenetic location: 17q21.33.
Variant type: single nucleotide variant.
Coding change: c.6445C>T on transcript NM_018896.5 (MANE Select); coding-DNA position 6445, C replaced by T.
Protein change: p.Arg2149Trp; replaces arginine 2149 with tryptophan.
Molecular consequence: missense variant. On other transcripts: non-coding transcript variant (5).
Genome position (GRCh38, 1-based): chr17:50,626,062, C>T. VCF-style: chr17-50626062-C-T. GRCh37 (hg19) VCF-style: chr17-48703423-C-T.
Other names: c.6256C>T, p.Arg2086Trp (NM_001256324.2); c.6187C>T, p.Arg2063Trp (NM_001256325.2); c.6175C>T, p.Arg2059Trp (NM_001256326.2); c.6145C>T, p.Arg2049Trp (NM_001256327.2); c.6091C>T, p.Arg2031Trp (NM_001256328.2); c.6064C>T, p.Arg2022Trp (NM_001256329.2, NM_198376.3, NM_198387.3); c.6031C>T, p.Arg2011Trp (NM_001256330.2); c.6010C>T, p.Arg2004Trp (NM_001256331.2); and 16 more; short protein forms R1999W, R2004W, R2011W, R2015W, R2018W, R2020W, R2022W, R2029W.
Identifiers: ClinVar variation 1327250 (VCV001327250.5), dbSNP rs757588716, ClinGen allele CA8653663.